The following is an entry in ClinVar:

NM_080764.4(ZNF280B):c.937G>A (p.Val313Met)

Genes: IGL (immunoglobulin lambda locus; plus strand), ZNF280B (zinc finger protein 280B; minus strand). Cytogenetic location: 22q11.22.
Variant type: single nucleotide variant.
Coding change: c.937G>A on transcript NM_080764.4 (MANE Select); coding-DNA position 937, G replaced by A.
Protein change: p.Val313Met; replaces valine 313 with methionine.
Molecular consequence: missense variant. On other transcripts: non-coding transcript variant (1).
Genome position (GRCh38, 1-based): chr22:22,488,462, C>T on the plus strand (G>A on the coding strand, the complement: ZNF280B is on the minus strand). VCF-style: chr22-22488462-C-T. GRCh37 (hg19) VCF-style: chr22-22842787-C-T.
Other names: short protein forms V313M.
Identifiers: ClinVar variation 2628004 (VCV002628004.25), dbSNP rs35870543, ClinGen allele CA10131664.

ClinVar aggregate classification (germline): Conflicting classifications of pathogenicity. Review status: criteria provided, conflicting classifications (1 of 4 stars). 2 submissions from 2 submitters: Uncertain significance (1); Likely benign (1). Last evaluated 2022-07-01.

Conditions:
Exstrophy-epispadias complex. Also called: OMPHALOCELE-EXSTROPHY-IMPERFORATE ANUS-SPINAL DEFECTS; OEIS complex. Identifiers: Orphanet 322, Orphanet 93929, MedGen C1850321, MONDO:0017919, OMIM 258040.

Allele frequency attached by ClinVar (database versions not stated): 1000 Genomes Project 30x 0.00031; 1000 Genomes Project 0.00040; ESP Exome Variant Server 0.00169; ExAC 0.00243; gnomAD 0.00281.

Submissions (2):

CeGaT Center for Human Genetics Tuebingen
Classification: Likely benign. Last evaluated: 2022-07-01. Review status: criteria provided, single submitter. Criteria: CeGaT Center For Human Genetics Tuebingen Variant Classification Criteria Version 2. Collection method: clinical testing. Allele origin: germline. Affected: yes. Observed: 1 variant allele.
Comment: ZNF280B: BP4, BS2

Obstetrics and Gynecology Department, Johns Hopkins School Of Medicine
Classification: Uncertain significance for Exstrophy-epispadias complex. Review status: criteria provided, single submitter. Criteria: ACMG Guidelines, 2015. Collection method: curation. Allele origin: de novo. Affected: yes.